The following is an entry in ClinVar:

NM_001127671.2(LIFR):c.1627A>T (p.Arg543Ter)

Gene: LIFR (LIF receptor subunit alpha; minus strand). Cytogenetic location: 5p13.1.
Variant type: single nucleotide variant.
Coding change: c.1627A>T on transcript NM_001127671.2 (MANE Select); coding-DNA position 1627, A replaced by T.
Protein change: p.Arg543Ter; replaces arginine 543 with a stop codon.
Molecular consequence: nonsense.
Genome position (GRCh38, 1-based): chr5:38,499,557, T>A on the plus strand (A>T on the coding strand, the complement: LIFR is on the minus strand). VCF-style: chr5-38499557-T-A. GRCh37 (hg19) VCF-style: chr5-38499659-T-A.
Other names: c.1627A>T, p.Arg543Ter (NM_001364297.2, NM_001364298.2, NM_002310.6); short protein forms R543*.
Identifiers: ClinVar variation 4855117 (VCV004855117.1).
Genomic context (GRCh38, chr5:38,499,557, plus strand): 5'-AAAATTAGATATTTACCTTCCAATAGATTATTAAATTTTTTCCATCAGAACTCCACTCTC[T>A]CCAAGTATCAGGCCCCTTTGAAGGACCTAAAAAGGAGATTTTAAAGTTAATATCTGAAGA-3'

ClinVar aggregate classification (germline): Likely pathogenic (1 of 4 stars; one submission).

Conditions:
Stüve-Wiedemann syndrome 1. Also called: STUVE-WIEDEMANN/SCHWARTZ-JAMPEL TYPE 2 SYNDROME. Identifiers: Orphanet 3206, MedGen C5676888, MONDO:0800043, OMIM 601559.

Submission:

3billion
Classification: Likely pathogenic for Stüve-Wiedemann syndrome 1. Last evaluated: 2025-07-10. Review status: criteria provided, single submitter. Criteria: ACMG Guidelines, 2015. Collection method: clinical testing. Allele origin: germline. Affected: yes.
Comment: The variant is not observed in the gnomAD v4.1.0 dataset. Predicted Consequence/Location: Stop-gained (nonsense): predicted to result in a loss or disruption of normal protein function through nonsense-mediated decay (NMD) or protein truncation. Multiple pathogenic variants are reported downstream of the variant. Therefore, this variant is classified as Likely pathogenic according to the recommendation of ACMG/AMP guideline.